The following is an entry in ClinVar:

NM_004006.3(DMD):c.3160C>T (p.Gln1054Ter)

Gene: DMD (dystrophin; minus strand). Cytogenetic location: Xp21.1.
Variant type: single nucleotide variant.
Coding change: c.3160C>T on transcript NM_004006.3 (MANE Select); coding-DNA position 3160, C replaced by T.
Protein change: p.Gln1054Ter; replaces glutamine 1054 with a stop codon.
Molecular consequence: nonsense.
Genome position (GRCh38, 1-based): chrX:32,468,500, G>A on the plus strand (C>T on the coding strand, the complement: DMD is on the minus strand). VCF-style: chrX-32468500-G-A. GRCh37 (hg19) VCF-style: chrX-32486617-G-A.
Other names: c.3136C>T, p.Gln1046Ter (NM_000109.4); c.3148C>T, p.Gln1050Ter (NM_004009.3); c.2791C>T, p.Gln931Ter (NM_004010.3); short protein forms Q1046*, Q1050*, Q1054*, Q931*.
Identifiers: ClinVar variation 1725855 (VCV001725855.8), dbSNP rs2524610436, ClinGen allele CA412666734.

ClinVar aggregate classification (germline): Pathogenic/Likely pathogenic. Review status: criteria provided, multiple submitters, no conflicts (2 of 4 stars). 2 submissions from 2 submitters: Pathogenic (1); Likely pathogenic (1). Last evaluated 2022-04-04.

Conditions:
Duchenne muscular dystrophy (DMD). Also called: MUSCULAR DYSTROPHY, PSEUDOHYPERTROPHIC PROGRESSIVE, DUCHENNE TYPE; Duchenne Muscular Dystrophy (DMD). Identifiers: Orphanet 98896, MedGen C0013264, MONDO:0010679, OMIM 310200.
Progressive muscular dystrophy. Identifiers: Orphanet 206644, MedGen C4551827, MONDO:0016106.

Submissions (2):

Myriad Genetics, Inc.
Classification: Likely pathogenic for Progressive muscular dystrophy. Last evaluated: 2022-04-04. Review status: criteria provided, single submitter. Criteria: Myriad Autosomal Dominant, Autosomal Recessive and X-Linked Classification Criteria (2023). Collection method: clinical testing. Allele origin: unknown.
Comment: NM_004006.2(DMD):c.3160C>T(Q1054*) is expected to be pathogenic in the context of dystrophinopathy (including Duchenne/Becker muscular dystrophy). This variant is predicted to lead to an abnormal or absent protein product due to the creation of a premature termination codon in DMD, a gene where loss-of-function variants are known to be pathogenic. Please note: this variant was assessed in the context of healthy population screening.

Labcorp Genetics (formerly Invitae), Labcorp
Classification: Pathogenic for Duchenne muscular dystrophy. Last evaluated: 2022-03-01. Review status: criteria provided, single submitter. Criteria: Invitae Variant Classification Sherloc (09022015). Collection method: clinical testing. Allele origin: germline.
Comment: For these reasons, this variant has been classified as Pathogenic. This variant has not been reported in the literature in individuals affected with DMD-related conditions. This variant is not present in population databases (gnomAD no frequency). This sequence change creates a premature translational stop signal (p.Gln1054*) in the DMD gene. It is expected to result in an absent or disrupted protein product. Loss-of-function variants in DMD are known to be pathogenic (PMID: 16770791, 25007885).

Literature cited by the submitters: PubMed 16770791 (cited by Labcorp Genetics (formerly Invitae), Labcorp); PubMed 25007885 (cited by Labcorp Genetics (formerly Invitae), Labcorp).